The following is an entry in ClinVar:

NM_001282531.3(ADNP):c.2340T>C (p.Tyr780=)

Gene: ADNP (activity dependent neuroprotector homeobox; minus strand). Cytogenetic location: 20q13.13.
Variant type: single nucleotide variant.
Coding change: c.2340T>C on transcript NM_001282531.3 (MANE Select); coding-DNA position 2340, T replaced by C.
Protein change: p.Tyr780=; no amino-acid change (tyrosine 780 retained).
Molecular consequence: synonymous variant.
Genome position (GRCh38, 1-based): chr20:50,892,374, A>G on the plus strand (T>C on the coding strand, the complement: ADNP is on the minus strand). VCF-style: chr20-50892374-A-G. GRCh37 (hg19) VCF-style: chr20-49508911-A-G.
Other names: c.2340T>C, p.Tyr780= (NM_001282532.2, NM_001347511.2, NM_015339.5 and 1 more transcripts).
Identifiers: ClinVar variation 2790792 (VCV002790792.3), dbSNP rs1980867701, ClinGen allele CA511020597.

ClinVar aggregate classification (germline): Uncertain significance (1 of 4 stars; one submission).

Submission:

Labcorp Genetics (formerly Invitae), Labcorp
Classification: Uncertain significance. Last evaluated: 2023-01-01. Review status: criteria provided, single submitter. Criteria: Invitae Variant Classification Sherloc (09022015). Collection method: clinical testing. Allele origin: germline.
Comment: This sequence change affects codon 780 of the ADNP mRNA. It is a 'silent' change, meaning that it does not change the encoded amino acid sequence of the ADNP protein. This variant is not present in population databases (gnomAD no frequency). This variant has not been reported in the literature in individuals affected with ADNP-related conditions. In summary, the available evidence is currently insufficient to determine the role of this variant in disease. Therefore, it has been classified as a Variant of Uncertain Significance.